The following is an entry in ClinVar:

NM_000702.4(ATP1A2):c.487G>A (p.Val163Ile)

Gene: ATP1A2 (ATPase Na+/K+ transporting subunit alpha 2; plus strand). Cytogenetic location: 1q23.2.
Variant type: single nucleotide variant.
Coding change: c.487G>A on transcript NM_000702.4 (MANE Select); coding-DNA position 487, G replaced by A.
Protein change: p.Val163Ile; replaces valine 163 with isoleucine.
Molecular consequence: missense variant.
Genome position (GRCh38, 1-based): chr1:160,124,048, G>A. VCF-style: chr1-160124048-G-A. GRCh37 (hg19) VCF-style: chr1-160093838-G-A.
Other names: short protein forms V163I.
Identifiers: ClinVar variation 1002974 (VCV001002974.8), dbSNP rs780646849, ClinGen allele CA1194193.

ClinVar aggregate classification (germline): Uncertain significance (1 of 4 stars; one submission).

Conditions:
Familial hemiplegic migraine. Identifiers: MedGen C0338484, MONDO:0000700.

Allele frequency attached by ClinVar (database versions not stated): gnomAD 0.00001; ExAC 0.00002; gnomAD exomes 0.00002 and 0.00003; TOPMed 0.00002.
gnomAD v4.1: 40 of 1,614,024 alleles (0.0025%); highest among the groups gnomAD compares: Non-Finnish European, 0.0031%; no homozygotes.

Submission:

Labcorp Genetics (formerly Invitae), Labcorp
Classification: Uncertain significance for Familial hemiplegic migraine. Last evaluated: 2023-05-13. Review status: criteria provided, single submitter. Criteria: Invitae Variant Classification Sherloc (09022015). Collection method: clinical testing. Allele origin: germline.
Comment: In summary, the available evidence is currently insufficient to determine the role of this variant in disease. Therefore, it has been classified as a Variant of Uncertain Significance. Advanced modeling of protein sequence and biophysical properties (such as structural, functional, and spatial information, amino acid conservation, physicochemical variation, residue mobility, and thermodynamic stability) performed at Invitae indicates that this missense variant is not expected to disrupt ATP1A2 protein function. ClinVar contains an entry for this variant (Variation ID: 1002974). This variant has not been reported in the literature in individuals affected with ATP1A2-related conditions. This variant is present in population databases (rs780646849, gnomAD 0.004%). This sequence change replaces valine, which is neutral and non-polar, with isoleucine, which is neutral and non-polar, at codon 163 of the ATP1A2 protein (p.Val163Ile).